The following is an entry in ClinVar:

ClinVar aggregate classification (germline): Likely benign (1 of 4 stars; one submission).

gnomAD v4.1: 5,853 of 1,580,278 alleles (0.37%); highest among the groups gnomAD compares: Non-Finnish European, 0.46%; 15 homozygotes.

Submission:

CeGaT Center for Human Genetics Tuebingen
Classification: Likely benign. Last evaluated: 2026-07-01. Review status: criteria provided, single submitter. Criteria: CeGaT Center For Human Genetics Tuebingen Variant Classification Criteria Version 2. Collection method: clinical testing. Allele origin: germline. Affected: yes. Observed: 1 variant allele.
Comment: FAM120B: BP4, BS2

NM_032448.3(FAM120B):c.1363T>C (p.Ser455Pro)

Gene: FAM120B (family with sequence similarity 120 member B; plus strand). Cytogenetic location: 6q27.
Variant type: single nucleotide variant.
Coding change: c.1363T>C on transcript NM_032448.3 (MANE Select); coding-DNA position 1363, T replaced by C.
Protein change: p.Ser455Pro; replaces serine 455 with proline.
Molecular consequence: missense variant. On other transcripts: intron variant (1).
Genome position (GRCh38, 1-based): chr6:170,318,753, T>C. VCF-style: chr6-170318753-T-C. GRCh37 (hg19) VCF-style: chr6-170627841-T-C.
Other names: c.1399T>C, p.Ser467Pro (NM_001286379.2); c.1432T>C, p.Ser478Pro (NM_001286380.2); c.-89-11696T>C (NM_001286381.2); short protein forms S455P, S467P, S478P.
Identifiers: ClinVar variation 5038518 (VCV005038518.1).